The following is an entry in ClinVar:

ClinVar aggregate classification (germline): Pathogenic. Review status: reviewed by expert panel (3 of 4 stars). 22 submissions from 22 submitters: Pathogenic (1). 21 of the submissions do not count toward it. Last evaluated 2016-04-22.

Conditions:
Gastric cancer. Also called: Stomach cancer; Malignant tumor of stomach. Identifiers: MedGen C0024623, MeSH D013274, MONDO:0001056, OMIM 613659, HP:0012126.
Breast neoplasm. Also called: Neoplasm of breast; Breast tumor; Neoplasm of the breast; Breast Neoplasms. Identifiers: MedGen C1458155, MeSH D001943, MONDO:0021100, HP:0100013. Disease mechanism: gain of function.
Hereditary cancer-predisposing syndrome. Also called: Tumor predisposition; Neoplastic Syndromes, Hereditary; Hereditary Cancer Syndrome; Hereditary neoplastic syndrome. Identifiers: Orphanet 140162, MedGen C0027672, MeSH D009386, MONDO:0015356.
Hereditary breast ovarian cancer syndrome. Also called: Hereditary breast and ovarian cancer syndrome (HBOC); Hereditary breast and ovarian cancer syndrome; Hereditary breast and ovarian cancer; Hereditary breast and/or ovarian cancer syndrome; Breast and ovarian cancer; BRCA1- and BRCA2-Associated Hereditary Breast and Ovarian Cancer. Identifiers: Orphanet 145, MedGen C0677776, MeSH D061325, MONDO:0003582. Disease mechanism: loss of function.
Breast-ovarian cancer, familial, susceptibility to, 1 (BROVCA1). Also called: OVARIAN CANCER, SUSCEPTIBILITY TO; BRCA1 Hereditary Breast and Ovarian Cancer. Identifiers: Orphanet 145, MedGen C2676676, MONDO:0011450, OMIM 604370. Disease mechanism: loss of function.

Allele frequency attached by ClinVar (database versions not stated): ExAC 0.00001; gnomAD 0.00001; gnomAD exomes 0.00001.
gnomAD v4.1: 5 of 1,603,198 alleles (0.00031%); highest among the groups gnomAD compares: East Asian, 0.011%; no homozygotes.

Submissions 1 to 9 of 23:

Evidence-based Network for the Interpretation of Germline Mutant Alleles (ENIGMA)
Classification: Pathogenic for Breast-ovarian cancer, familial, susceptibility to, 1. Last evaluated: 2016-04-22. Review status: reviewed by expert panel. Criteria: ENIGMA BRCA1/2 Classification Criteria (2015). Collection method: curation. Allele origin: germline.
Comment: Variant allele predicted to encode a truncated non-functional protein.

Labcorp Genetics (formerly Invitae), Labcorp
Classification: Pathogenic for Hereditary breast ovarian cancer syndrome. Last evaluated: 2026-01-28. Review status: criteria provided, single submitter. Criteria: Invitae Variant Classification Sherloc (09022015). Collection method: clinical testing. Allele origin: germline. Not counted in ClinVar's aggregate classification.
Comment: This sequence change creates a premature translational stop signal (p.Leu63*) in the BRCA1 gene. It is expected to result in an absent or disrupted protein product. Loss-of-function variants in BRCA1 are known to be pathogenic (PMID: 20104584). This variant is not present in population databases (gnomAD no frequency). This premature translational stop signal has been observed in individual(s) with breast and/or ovarian cancer (PMID: 7627958, 15168169, 19016756, 24249303, 24884479, 25802882, 26187060, 26439132). It is commonly reported in individuals of Japanese ancestry (PMID: 7627958, 15168169, 19016756, 24249303, 24884479, 25802882, 26187060, 26439132). This variant is also known as a common cause of breast and/or ovarian cancer in the Japanese populations (PMID: 24249303, 26187060). ClinVar contains an entry for this variant (Variation ID: 54381). Algorithms developed to predict the effect of sequence changes on RNA splicing suggest that this variant may create or strengthen a splice site. For these reasons, this variant has been classified as Pathogenic.

Ambry Genetics
Classification: Pathogenic for Hereditary cancer-predisposing syndrome. Last evaluated: 2024-03-22. Review status: criteria provided, single submitter. Criteria: Ambry Variant Classification Scheme 2023. Collection method: clinical testing. Allele origin: germline. Not counted in ClinVar's aggregate classification.
Comment: The p.L63* pathogenic mutation (also known as c.188T>A), located in coding exon 3 of the BRCA1 gene, results from a T to A substitution at nucleotide position 188. This changes the amino acid from a leucine to a stop codon within coding exon 3. This mutation has been reported in numerous studies of individuals with personal and/or family history of breast and/or ovarian cancer and is considered a founder mutation in the Japanese population (Inoue R et al. Cancer Res. 1995 Aug; 55(16):3521-4; Sekine M et al. Clin. Cancer Res. 2001 Oct; 7(10):3144-50; Kawahara M et al. J. Hum. Genet., 2004 May;49:391-5; Sugano K et al. Cancer Sci. 2008 Oct;99(10):1967-76; Hirotsu Y et al. Mol Genet Genomic Med, 2015 Mar;3:121-9; Nakamura S et al. Breast Cancer 2015 Sep;22:462-8; Hirasawa A et al. Oncotarget. 2017 Nov 28;8(68):112258-112267; Heramb C et al. Hered Cancer Clin Pract, 2018 Jan;16:3; Rebbeck TR et al. Hum. Mutat., 2018 05;39:593-620). Further, a functional study found that this nucleotide substitution is deleterious in a high throughput genome editing haploid cell survival assay (Findlay GM et al. Nature, 2018 10;562:217-222). Of note, this alteration is also designated as 307T>A in published literature. In addition to the clinical data presented in the literature, this alteration is expected to result in loss of function by premature protein truncation or nonsense-mediated mRNA decay. As such, this alteration is interpreted as a disease-causing mutation.

All of Us Research Program, National Institutes of Health
Classification: Pathogenic for Breast-ovarian cancer, familial, susceptibility to, 1. Last evaluated: 2023-11-07. Review status: criteria provided, single submitter. Criteria: ACMG Guidelines, 2015. Collection method: clinical testing. Allele origin: germline. Inheritance: Autosomal dominant inheritance. Observed: 1 variant allele, 1 heterozygote. Not counted in ClinVar's aggregate classification.
Comment: This variant changes 1 nucleotide in exon 4 of the BRCA1 gene, creating a premature translation stop signal. This variant is expected to result in an absent or non-functional protein product. This variant is a common cause of breast and/or ovarian cancer in the Japanese population (PMID: 7627958, 24249303, 26187060, 26439132, 29348823). It has also been observed in affected individuals of non-Asian ancestry (PMID: 27741520, 29339979, 29907814). This variant has not been identified in the general population by the Genome Aggregation Database (gnomAD). Loss of BRCA1 function is a known mechanism of disease. Based on the available evidence, this variant is classified as Pathogenic.

This study involves interpretation of variants in research participants for the purpose of population health screening. Participant phenotype was not available at the time of variant classification. Additional details can be found in publication PMID: 35346344, PMCID: PMC8962531

Baylor Genetics
Classification: Pathogenic for Breast-ovarian cancer, familial, susceptibility to, 1. Last evaluated: 2020-12-14. Review status: criteria provided, single submitter. Criteria: ACMG Guidelines, 2015. Collection method: clinical testing. Allele origin: unknown. Not counted in ClinVar's aggregate classification.

Color Diagnostics, LLC DBA Color Health
Classification: Pathogenic for Hereditary cancer-predisposing syndrome. Last evaluated: 2020-09-29. Review status: criteria provided, single submitter. Criteria: ACMG Guidelines, 2015. Collection method: clinical testing. Allele origin: germline. Not counted in ClinVar's aggregate classification.
Comment: This variant changes 1 nucleotide in exon 4 of the BRCA1 gene, creating a premature translation stop signal. This variant is expected to result in an absent or non-functional protein product. This variant is a common cause of breast and/or ovarian cancer in the Japanese population (PMID: 7627958, 24249303, 26187060, 26439132, 29348823). It has also been observed in affected individuals of non-Asian ancestry (PMID: 27741520, 29339979, 29907814). This variant has not been identified in the general population by the Genome Aggregation Database (gnomAD). Loss of BRCA1 function is a known mechanism of disease. Based on the available evidence, this variant is classified as Pathogenic.

Mendelics
Classification: Pathogenic for Breast-ovarian cancer, familial, susceptibility to, 1. Last evaluated: 2019-05-28. Review status: criteria provided, single submitter. Criteria: Mendelics Assertion Criteria 2017. Collection method: clinical testing. Allele origin: unknown. Not counted in ClinVar's aggregate classification.

Human Genome Sequencing Center Clinical Lab, Baylor College of Medicine
Classification: Pathogenic for Familial breast-ovarian cancer 1. Last evaluated: 2018-10-08. Review status: criteria provided, single submitter. Criteria: ACMG Guidelines, 2015. Collection method: clinical testing. Allele origin: germline. Not counted in ClinVar's aggregate classification.
Comment: The c.188T>A (p.Leu63*) variant in the BRCA1 gene is predicted to introduce a premature translation termination codon. This variant has been reported in multiple patients with breast or ovarian cancers (PMID 7627958, 11595708, 19016756, 24249303, 24884479, 26187060). This variant has not been reported in gnomAD. Therefore, the c.188T>A (p.Leu63*) variant in the BRCA1 gene is classified as pathogenic.

Women's Health and Genetics/Laboratory Corporation of America, LabCorp
Classification: Pathogenic for Hereditary breast and ovarian cancer syndrome. Last evaluated: 2017-10-26. Review status: criteria provided, single submitter. Criteria: LabCorp Variant Classification Summary - May 2015. Collection method: clinical testing. Allele origin: germline. Not counted in ClinVar's aggregate classification.
Comment: Variant summary: The BRCA1 c.188T>A (p.Leu63X) variant results in a premature termination codon, predicted to cause a truncated or absent BRCA1 protein due to nonsense mediated decay, which are commonly known mechanisms for disease. The variant is considered a Japanese founder variant and has been reported in several individuals with personal and family history of HBOC, and was also shown to segregate with the disease (Inoue 1995, Nakamura 2013). This variant is absent in 245910 control chromosomes. In addition, multiple clinical diagnostic laboratories/reputable databases classified this variant as pathogenic. Taken together, this variant is classified as pathogenic.

NM_007294.4(BRCA1):c.188T>A (p.Leu63Ter)

Gene: BRCA1 (BRCA1 DNA repair associated; minus strand). Cytogenetic location: 17q21.31.
Variant type: single nucleotide variant.
Coding change: c.188T>A on transcript NM_007294.4 (MANE Select); coding-DNA position 188, T replaced by A.
Protein change: p.Leu63Ter; replaces leucine 63 with a stop codon.
Molecular consequence: nonsense. On other transcripts: 5 prime UTR variant (61), intron variant (34).
Genome position (GRCh38, 1-based): chr17:43,106,480, A>T on the plus strand (T>A on the coding strand, the complement: BRCA1 is on the minus strand). VCF-style: chr17-43106480-A-T. GRCh37 (hg19) VCF-style: chr17-41258497-A-T.
Other names: 307T>A; c.-1T>A (NM_001407571.1, NM_001407853.1, NM_001407879.1 and 58 more transcripts); c.188T>A, p.Leu63Ter (NM_001407581.1, NM_001407582.1, NM_001407583.1 and 168 more transcripts); c.47T>A, p.Leu16Ter (NM_001407692.1, NM_001407694.1, NM_001407695.1 and 99 more transcripts); c.-218-11620T>A (NM_001407967.1, NM_001407966.1); c.-169-1524T>A (NM_001407959.1, NM_001407962.1, NM_001408512.1 and 4 more transcripts); c.81-1524T>A (NM_001408451.1); c.135-1524T>A (NM_001408475.1, NM_001407875.1, NM_001407659.1 and 21 more transcripts); short protein forms L63*, L16*.
Identifiers: ClinVar variation 54381 (VCV000054381.45), dbSNP rs80357086, ClinGen allele CA001227.